The following is an entry in ClinVar:

ClinVar aggregate classification (germline): Pathogenic (1 of 4 stars; one submission).

Conditions:
Tuberous sclerosis 1 (TSC1). Identifiers: Orphanet 805, MedGen C1854465, MONDO:0008612, OMIM 191100.

Submission:

Labcorp Genetics (formerly Invitae), Labcorp
Classification: Pathogenic for Tuberous sclerosis 1. Last evaluated: 2020-11-25. Review status: criteria provided, single submitter. Criteria: Invitae Variant Classification Sherloc (09022015). Collection method: clinical testing. Allele origin: germline.
Comment: This variant has not been reported in the literature in individuals with TSC1-related conditions. This variant is not present in population databases (ExAC no frequency). This sequence change creates a premature translational stop signal (p.His678Profs*46) in the TSC1 gene. It is expected to result in an absent or disrupted protein product. Loss-of-function variants in TSC1 are known to be pathogenic (PMID: 10227394, 17304050). For these reasons, this variant has been classified as Pathogenic.

Literature cited by the submitters: PubMed 10227394; PubMed 17304050.

NM_000368.5(TSC1):c.2033del (p.His678fs)

Gene: TSC1 (TSC complex subunit 1; minus strand). Cytogenetic location: 9q34.13.
Variant type: Deletion.
Coding change: c.2033del on transcript NM_000368.5 (MANE Select); coding-DNA position 2033, one base deleted (A; older notation c.2033delA).
Protein change: p.His678fs; shifts the reading frame from histidine 678.
Molecular consequence: frameshift variant.
Genome position (GRCh38, 1-based): chr9:132,904,419, T deleted on the plus strand (A on the coding strand, the reverse complement: TSC1 is on the minus strand). VCF-style (leftmost placement, unchanged base first): chr9-132904418-GT-G. GRCh37 (hg19) VCF-style: chr9-135779805-GT-G.
Other names: c.2030del, p.His677fs (NM_001162426.2); c.1880del, p.His627fs (NM_001162427.2); c.1670del, p.His557fs (NM_001362177.2); short protein forms H557fs, H678fs, H627fs, H677fs.
Identifiers: ClinVar variation 1457787 (VCV001457787.6), dbSNP rs2131786544, ClinGen allele CA2573144255.